The following is an entry in ClinVar:

ClinVar aggregate classification (germline): Uncertain significance (1 of 4 stars; one submission).

Submission:

GeneDx
Classification: Uncertain significance. Last evaluated: 2025-07-24. Review status: criteria provided, single submitter. Criteria: GeneDx Variant Classification Process June 2021. Collection method: clinical testing. Allele origin: germline. Affected: yes.
Comment: Not observed at significant frequency in large population cohorts (gnomAD); In silico analysis suggests that this missense variant does not alter protein structure/function; Has not been previously published as pathogenic or benign to our knowledge

NM_006950.3(SYN1):c.1693C>G (p.Arg565Gly)

Gene: SYN1 (synapsin I; minus strand). Cytogenetic location: Xp11.3.
Variant type: single nucleotide variant.
Coding change: c.1693C>G on transcript NM_006950.3 (MANE Select); coding-DNA position 1693, C replaced by G.
Protein change: p.Arg565Gly; replaces arginine 565 with glycine.
Molecular consequence: missense variant.
Genome position (GRCh38, 1-based): chrX:47,574,291, G>C on the plus strand (C>G on the coding strand, the complement: SYN1 is on the minus strand). VCF-style: chrX-47574291-G-C. GRCh37 (hg19) VCF-style: chrX-47433690-G-C.
Other names: c.1693C>G, p.Arg565Gly (NM_133499.2); short protein forms R565G.
Identifiers: ClinVar variation 4686908 (VCV004686908.1).